The following is an entry in ClinVar:

NM_033641.4(COL4A6):c.200G>T (p.Gly67Val)

Gene: COL4A6 (collagen type IV alpha 6 chain; minus strand). Cytogenetic location: Xq22.3.
Variant type: single nucleotide variant.
Coding change: c.200G>T on transcript NM_033641.4 (MANE Select); coding-DNA position 200, G replaced by T.
Protein change: p.Gly67Val; replaces glycine 67 with valine.
Molecular consequence: missense variant.
Genome position (GRCh38, 1-based): chrX:108,221,319, C>A on the plus strand (G>T on the coding strand, the complement: COL4A6 is on the minus strand). VCF-style: chrX-108221319-C-A. GRCh37 (hg19) VCF-style: chrX-107464549-C-A.
Other names: c.203G>T (NM_001847.2); c.200G>T, p.Gly67Val (NM_001287758.2, NM_001287759.2, NM_001287760.2); c.203G>T, p.Gly68Val (NM_001847.4); short protein forms G67V, G68V.
Identifiers: ClinVar variation 3669952 (VCV003669952.3).

ClinVar aggregate classification (germline): Uncertain significance. Review status: criteria provided, multiple submitters, no conflicts (2 of 4 stars). 2 submissions from 2 submitters: Uncertain significance (2). Last evaluated 2025-09-01.

gnomAD v4.1: 20 of 1,210,117 alleles (0.0017%); highest among the groups gnomAD compares: Non-Finnish European, 0.0021%; no homozygotes.

Submissions (2):

Ambry Genetics
Classification: Uncertain significance. Last evaluated: 2025-09-01. Review status: criteria provided, single submitter. Criteria: Ambry Variant Classification Scheme 2023. Collection method: clinical testing. Allele origin: germline.

Labcorp Genetics (formerly Invitae), Labcorp
Classification: Uncertain significance. Last evaluated: 2024-10-10. Review status: criteria provided, single submitter. Criteria: Invitae Variant Classification Sherloc (09022015). Collection method: clinical testing. Allele origin: germline.
Comment: This sequence change replaces glycine, which is neutral and non-polar, with valine, which is neutral and non-polar, at codon 68 of the COL4A6 protein (p.Gly68Val). This variant is present in population databases (no rsID available, gnomAD 0.001%). This variant has not been reported in the literature in individuals affected with COL4A6-related conditions. Invitae Evidence Modeling of protein sequence and biophysical properties (such as structural, functional, and spatial information, amino acid conservation, physicochemical variation, residue mobility, and thermodynamic stability) indicates that this missense variant is expected to disrupt COL4A6 protein function with a positive predictive value of 80%. In summary, the available evidence is currently insufficient to determine the role of this variant in disease. Therefore, it has been classified as a Variant of Uncertain Significance.